The following is an entry in ClinVar:

ClinVar aggregate classification (germline): Uncertain significance. Review status: criteria provided, multiple submitters, no conflicts (2 of 4 stars). 5 submissions from 4 submitters: Uncertain significance (4). 1 of the submissions does not count toward it. Last evaluated 2025-04-29.

Conditions:
Usher syndrome type 1D (USH1D). Also called: USHER SYNDROME, TYPE ID. Identifiers: Orphanet 231169, Orphanet 886, MedGen C1832845, MONDO:0010984, OMIM 601067.
Inborn genetic diseases. Identifiers: MedGen C0950123, MeSH D030342.
Usher syndrome type 1 (USH1). Also called: RETINITIS PIGMENTOSA AND CONGENITAL DEAFNESS. Identifiers: Orphanet 231169, Orphanet 886, MedGen C1568247, MONDO:0010168, OMIM 276900.
Autosomal recessive nonsyndromic hearing loss 12. Also called: DEAFNESS, AUTOSOMAL RECESSIVE 12. Identifiers: Orphanet 90636, MedGen C1832394, MONDO:0011067, OMIM 601386.

Allele frequency attached by ClinVar (database versions not stated): gnomAD 0.00001; TOPMed 0.00001.
gnomAD v4.1: 15 of 1,613,894 alleles (0.00093%); highest among the groups gnomAD compares: Non-Finnish European, 0.0013%; 1 homozygote.

Submissions (5):

Ambry Genetics
Classification: Uncertain significance for Inborn genetic diseases. Last evaluated: 2025-04-29. Review status: criteria provided, single submitter. Criteria: Ambry Variant Classification Scheme 2023. Collection method: clinical testing. Allele origin: germline.

Labcorp Genetics (formerly Invitae), Labcorp
Classification: Uncertain significance. Last evaluated: 2022-08-16. Review status: criteria provided, single submitter. Criteria: Invitae Variant Classification Sherloc (09022015). Collection method: clinical testing. Allele origin: germline.
Comment: This sequence change replaces serine, which is neutral and polar, with phenylalanine, which is neutral and non-polar, at codon 2461 of the CDH23 protein (p.Ser2461Phe). This variant is present in population databases (rs373823262, gnomAD 0.004%). This variant has not been reported in the literature in individuals affected with CDH23-related conditions. ClinVar contains an entry for this variant (Variation ID: 878861). Algorithms developed to predict the effect of missense changes on protein structure and function are either unavailable or do not agree on the potential impact of this missense change (SIFT: "Deleterious"; PolyPhen-2: "Not Available"; Align-GVGD: "Class C65"). In summary, the available evidence is currently insufficient to determine the role of this variant in disease. Therefore, it has been classified as a Variant of Uncertain Significance.

Illumina Laboratory Services, Illumina
Classification: Uncertain significance for Autosomal recessive nonsyndromic hearing loss 12. Last evaluated: 2018-01-12. Review status: criteria provided, single submitter. Criteria: ICSL Variant Classification Criteria 13 December 2019. Collection method: clinical testing. Allele origin: germline.

Illumina Laboratory Services, Illumina
Classification: Uncertain significance for Usher syndrome type 1D. Last evaluated: 2018-01-12. Review status: criteria provided, single submitter. Criteria: ICSL Variant Classification Criteria 13 December 2019. Collection method: clinical testing. Allele origin: germline.

Natera, Inc.
Classification: Uncertain significance for Usher syndrome type 1. Last evaluated: 2020-12-15. Review status: no assertion criteria provided. Collection method: clinical testing. Allele origin: germline. Not counted in ClinVar's aggregate classification.

NM_022124.6(CDH23):c.7382C>T (p.Ser2461Phe)

Gene: CDH23 (cadherin related 23; plus strand). Cytogenetic location: 10q22.1.
Variant type: single nucleotide variant.
Coding change: c.7382C>T on transcript NM_022124.6 (MANE Select); coding-DNA position 7382, C replaced by T.
Protein change: p.Ser2461Phe; replaces serine 2461 with phenylalanine.
Molecular consequence: missense variant.
Genome position (GRCh38, 1-based): chr10:71,800,655, C>T. VCF-style: chr10-71800655-C-T. GRCh37 (hg19) VCF-style: chr10-73560412-C-T.
Other names: c.662C>T, p.Ser221Phe (NM_001171933.1, NM_001171934.1); short protein forms S221F, S2461F.
Identifiers: ClinVar variation 878861 (VCV000878861.8), dbSNP rs373823262, ClinGen allele CA5546331.
Genomic context (GRCh38, chr10:71,800,655, plus strand): 5'-TTGAATGATTGAAGGACCTAAAGCCACCCTCCCCCTACTAGGGTGACATCTATGTGCTGT[C>T]TTCTCTGGACCGGGAGAAGAAGGACCACTATATCCTGACTGCCTTGGCCAAAGACAACCC-3'
Protein context (NP_071407.4, residues 2451-2471): NPTTGDIYVL[Ser2461Phe]SLDREKKDHY